The following is an entry in ClinVar:

NM_015378.4(VPS13D):c.12908A>G (p.Lys4303Arg)

Gene: VPS13D (vacuolar protein sorting 13 homolog D; plus strand). Cytogenetic location: 1p36.21.
Variant type: single nucleotide variant.
Coding change: c.12908A>G on transcript NM_015378.4 (MANE Select); coding-DNA position 12908, A replaced by G.
Protein change: p.Lys4303Arg; replaces lysine 4303 with arginine.
Molecular consequence: missense variant.
Genome position (GRCh38, 1-based): chr1:12,506,966, A>G. VCF-style: chr1-12506966-A-G. GRCh37 (hg19) VCF-style: chr1-12567020-A-G.
Other names: c.12833A>G, p.Lys4278Arg (NM_018156.4); short protein forms K4303R, K4278R.
Identifiers: ClinVar variation 2109493 (VCV002109493.4), dbSNP rs1358838130, ClinGen allele CA338496001.

ClinVar aggregate classification (germline): Uncertain significance (1 of 4 stars; one submission).

gnomAD v4.1: 4 of 1,614,270 alleles (0.00025%); highest among the groups gnomAD compares: South Asian, 0.0011%; no homozygotes.

Submission:

Labcorp Genetics (formerly Invitae), Labcorp
Classification: Uncertain significance. Last evaluated: 2023-12-22. Review status: criteria provided, single submitter. Criteria: Invitae Variant Classification Sherloc (09022015). Collection method: clinical testing. Allele origin: germline.
Comment: This sequence change replaces lysine, which is basic and polar, with arginine, which is basic and polar, at codon 4303 of the VPS13D protein (p.Lys4303Arg). This variant is present in population databases (no rsID available, gnomAD 0.006%). This variant has not been reported in the literature in individuals affected with VPS13D-related conditions. ClinVar contains an entry for this variant (Variation ID: 2109493). Advanced modeling of protein sequence and biophysical properties (such as structural, functional, and spatial information, amino acid conservation, physicochemical variation, residue mobility, and thermodynamic stability) performed at Invitae indicates that this missense variant is expected to disrupt VPS13D protein function with a positive predictive value of 80%. In summary, the available evidence is currently insufficient to determine the role of this variant in disease. Therefore, it has been classified as a Variant of Uncertain Significance.